The following is an entry in ClinVar:

ClinVar aggregate classification (germline): Uncertain significance (1 of 4 stars; one submission).

Conditions:
Cardiovascular phenotype. Identifiers: MedGen CN230736.

Allele frequency attached by ClinVar (database versions not stated): gnomAD exomes below 0.00001; ExAC 0.00001; gnomAD 0.00001; TOPMed 0.00001; ESP Exome Variant Server 0.00008.
gnomAD v4.1: 3 of 1,613,006 alleles (0.00019%); highest among the groups gnomAD compares: Non-Finnish European, 0.00025%; no homozygotes.

Submission:

Ambry Genetics
Classification: Uncertain significance for Cardiovascular phenotype. Last evaluated: 2019-05-18. Review status: criteria provided, single submitter. Criteria: Ambry Variant Classification Scheme 2023. Collection method: clinical testing. Allele origin: germline.
Comment: The p.V9574A variant (also known as c.28721T>C), located in coding exon 115 of the TTN gene, results from a T to C substitution at nucleotide position 28721. The valine at codon 9574 is replaced by alanine, an amino acid with similar properties. This amino acid position is highly conserved in available vertebrate species. In addition, this alteration is predicted to be probably damaging PolyPhen in silico analysis. Since supporting evidence is limited at this time, the clinical significance of this alteration remains unclear.

NM_001267550.2(TTN):c.55916T>C (p.Val18639Ala)

Genes: TTN (titin; minus strand), TTN-AS1 (TTN antisense RNA 1; plus strand). Cytogenetic location: 2q31.2.
Variant type: single nucleotide variant.
Coding change: c.55916T>C on transcript NM_001267550.2 (MANE Select); coding-DNA position 55916, T replaced by C.
Protein change: p.Val18639Ala; replaces valine 18639 with alanine.
Molecular consequence: missense variant.
Genome position (GRCh38, 1-based): chr2:178,600,988, A>G on the plus strand (T>C on the coding strand, the complement: TTN is on the minus strand). VCF-style: chr2-178600988-A-G. GRCh37 (hg19) VCF-style: chr2-179465715-A-G.
Other names: c.50993T>C, p.Val16998Ala (NM_001256850.1); c.28721T>C, p.Val9574Ala (NM_003319.4); c.48212T>C, p.Val16071Ala (NM_133378.4); c.29096T>C, p.Val9699Ala (NM_133432.3); c.29297T>C, p.Val9766Ala (NM_133437.4); short protein forms V9574A, V9699A, V9766A, V16071A, V16998A, V18639A.
Identifiers: ClinVar variation 1797062 (VCV001797062.2), dbSNP rs368701590, ClinGen allele CA1993359.